The following is an entry in ClinVar:

ClinVar aggregate classification (germline): Pathogenic (0 of 4 stars; one submission).

Conditions:
Intellectual disability-cardiac anomalies-short stature-joint laxity syndrome. Identifiers: Orphanet 508498, MedGen C5568572, MONDO:0034989.

Submission:

Division of Pediatric Neurology, Department of Pediatrics, University Hospital Cologne
Classification: Pathogenic for Intellectual disability-cardiac anomalies-short stature-joint laxity syndrome. Review status: no assertion criteria provided. Collection method: clinical testing. Allele origin: de novo. Affected: yes. Observed: 1 heterozygote.
Comment: The c.206del, p.Lys69ArgfsTer16 variant was absent from healthy population databases (gnomAD v.3.1.2). This variant likely results in reduced protein expression. A previous study has reported a similar phenotype with a frameshift-truncating variant located closely to this variant (Grimes et al., 2023).

Literature cited by the submitters: DOI 10.1002/ajmg.a.63313.

NM_078480.3(PUF60):c.206del (p.Lys69fs)

Gene: PUF60 (poly(U) binding splicing factor 60; minus strand). Cytogenetic location: 8q24.3.
Variant type: Deletion.
Coding change: c.206del on transcript NM_078480.3 (MANE Select); coding-DNA position 206, one base deleted (A; older notation c.206delA).
Protein change: p.Lys69fs; shifts the reading frame from lysine 69.
Molecular consequence: frameshift variant.
Genome position (GRCh38, 1-based): chr8:143,821,819, T deleted on the plus strand (A on the coding strand, the reverse complement: PUF60 is on the minus strand); the first of 2 consecutive T bases (chr8:143,821,819-143,821,820); deleting either gives the same sequence. VCF-style (leftmost placement, unchanged base first): chr8-143821818-CT-C. GRCh37 (hg19) VCF-style: chr8-144903988-CT-C.
Other names: c.77del, p.Lys26fs (NM_001136033.3, NM_001271100.2); c.203del, p.Lys68fs (NM_001271096.2, NM_001271098.2); c.119del, p.Lys40fs (NM_001271097.2, NM_001271099.2); c.317del, p.Lys106fs (NM_001362895.2, NM_001362896.2, NM_001362897.2); c.206del, p.Lys69fs (NM_014281.5); c.206delA (NM_078480.3); short protein forms K106fs, K26fs, K40fs, K68fs, K69fs.
Identifiers: ClinVar variation 2690940 (VCV002690940.2), dbSNP rs2538896067, ClinGen allele CA2697550214.
Genomic context (GRCh38, chr8:143,821,818, plus strand): 5'-CTGCCCCTGCCCCCAGTTGACTGTCCCACACCTGCAGTGCCCTGGGAGGTCCATGCTCAC[CT>C]TCTGAAGGGCCTCCTGCTGCTCGGGCGTCAGGGGAGGCAGCCCCAGCTTGGCGGCTGTGC-3'